The following is an entry in ClinVar:

NM_001136157.2(OTUD5):c.1352G>C (p.Arg451Pro)

Gene: OTUD5 (OTU deubiquitinase 5; minus strand). Cytogenetic location: Xp11.23.
Variant type: single nucleotide variant.
Coding change: c.1352G>C on transcript NM_001136157.2 (MANE Select); coding-DNA position 1352, G replaced by C.
Protein change: p.Arg451Pro; replaces arginine 451 with proline.
Molecular consequence: missense variant.
Genome position (GRCh38, 1-based): chrX:48,923,964, C>G on the plus strand (G>C on the coding strand, the complement: OTUD5 is on the minus strand). VCF-style: chrX-48923964-C-G. GRCh37 (hg19) VCF-style: chrX-48781241-C-G.
Other names: c.1352G>C, p.Arg451Pro (NM_001136158.2); c.701G>C, p.Arg234Pro (NM_001136159.2); c.1367G>C, p.Arg456Pro (NM_017602.4); short protein forms R234P, R451P, R456P.
Identifiers: ClinVar variation 2504722 (VCV002504722.1), dbSNP rs1252713651, ClinGen allele CA412906959.

ClinVar aggregate classification (germline): Uncertain significance (1 of 4 stars; one submission).

Submission:

GeneDx
Classification: Uncertain significance. Last evaluated: 2022-12-09. Review status: criteria provided, single submitter. Criteria: GeneDx Variant Classification Process June 2021. Collection method: clinical testing. Allele origin: germline. Affected: yes.
Comment: Not observed at significant frequency in large population cohorts (gnomAD); In silico analysis supports that this missense variant has a deleterious effect on protein structure/function; Has not been previously published as pathogenic or benign to our knowledge